The following is an entry in ClinVar:

NM_004260.4(RECQL4):c.407A>C (p.Lys136Thr)

Gene: RECQL4 (RecQ like helicase 4; minus strand). Cytogenetic location: 8q24.3.
Variant type: single nucleotide variant.
Coding change: c.407A>C on transcript NM_004260.4 (MANE Select); coding-DNA position 407, A replaced by C.
Protein change: p.Lys136Thr; replaces lysine 136 with threonine.
Molecular consequence: missense variant.
Genome position (GRCh38, 1-based): chr8:144,516,712, T>G on the plus strand (A>C on the coding strand, the complement: RECQL4 is on the minus strand). VCF-style: chr8-144516712-T-G. GRCh37 (hg19) VCF-style: chr8-145742096-T-G.
Other names: short protein forms K136T.
Identifiers: ClinVar variation 944537 (VCV000944537.5), dbSNP rs1224242466, ClinGen allele CA372691601.

ClinVar aggregate classification (germline): Uncertain significance (1 of 4 stars; one submission).

Conditions:
Baller-Gerold syndrome (BGS). Also called: CRANIOSYNOSTOSIS WITH RADIAL DEFECTS. Identifiers: Orphanet 1225, MedGen C0265308, MONDO:0009039, OMIM 218600.

Allele frequency attached by ClinVar (database versions not stated): gnomAD exomes below 0.00001; TOPMed below 0.00001.
gnomAD v4.1: 1 of 1,545,882 alleles (0.000065%); highest among the groups gnomAD compares: Non-Finnish European, 0.000087%; no homozygotes.

Submission:

Labcorp Genetics (formerly Invitae), Labcorp
Classification: Uncertain significance for Baller-Gerold syndrome. Last evaluated: 2019-08-14. Review status: criteria provided, single submitter. Criteria: Invitae Variant Classification Sherloc (09022015). Collection method: clinical testing. Allele origin: germline.
Comment: Algorithms developed to predict the effect of missense changes on protein structure and function (SIFT, PolyPhen-2, Align-GVGD) all suggest that this variant is likely to be tolerated, but these predictions have not been confirmed by published functional studies and their clinical significance is uncertain. This variant has not been reported in the literature in individuals with RECQL4-related conditions. This variant is not present in population databases (ExAC no frequency). This sequence change replaces lysine with threonine at codon 136 of the RECQL4 protein (p.Lys136Thr). The lysine residue is weakly conserved and there is a moderate physicochemical difference between lysine and threonine. In summary, the available evidence is currently insufficient to determine the role of this variant in disease. Therefore, it has been classified as a Variant of Uncertain Significance.